The following is an entry in ClinVar:

NM_022489.4(INF2):c.3550G>A (p.Ala1184Thr)

Gene: INF2 (inverted formin 2; plus strand). Cytogenetic location: 14q32.33.
Variant type: single nucleotide variant.
Coding change: c.3550G>A on transcript NM_022489.4 (MANE Select); coding-DNA position 3550, G replaced by A.
Protein change: p.Ala1184Thr; replaces alanine 1184 with threonine.
Molecular consequence: missense variant.
Genome position (GRCh38, 1-based): chr14:104,714,712, G>A. VCF-style: chr14-104714712-G-A. GRCh37 (hg19) VCF-style: chr14-105181049-G-A.
Other names: c.3550G>A, p.Ala1184Thr (NM_001031714.4); short protein forms A1184T.
Identifiers: ClinVar variation 312710 (VCV000312710.17), dbSNP rs374684004, ClinGen allele CA7373302.

ClinVar aggregate classification (germline): Likely benign. Review status: criteria provided, multiple submitters, no conflicts (2 of 4 stars). 4 submissions from 4 submitters: Likely benign (4). Last evaluated 2025-12-17.

Conditions:
Inborn genetic diseases. Identifiers: MedGen C0950123, MeSH D030342.
Focal segmental glomerulosclerosis 5 (FSGS5). Identifiers: Orphanet 656, MedGen C2750475, MONDO:0013191, OMIM 613237.
Charcot-Marie-Tooth disease dominant intermediate E. Also called: CHARCOT-MARIE-TOOTH NEUROPATHY WITH FOCAL SEGMENTAL GLOMERULONEPHRITIS. Identifiers: Orphanet 93114, MedGen C4302667, MONDO:0013758, OMIM 614455.

Allele frequency attached by ClinVar (database versions not stated): ExAC 0.00008; ESP Exome Variant Server 0.00008; gnomAD exomes 0.00008; TOPMed 0.00009; gnomAD 0.00011 and 0.00012.
gnomAD v4.1: 178 of 1,609,024 alleles (0.011%); highest among the groups gnomAD compares: Non-Finnish European, 0.014%; 1 homozygote.

Submissions (4):

Labcorp Genetics (formerly Invitae), Labcorp
Classification: Likely benign for Charcot-Marie-Tooth disease dominant intermediate E; Focal segmental glomerulosclerosis 5. Last evaluated: 2025-12-17. Review status: criteria provided, single submitter. Criteria: Invitae Variant Classification Sherloc (09022015). Collection method: clinical testing. Allele origin: germline.

Blueprint Genetics
Classification: Likely benign. Last evaluated: 2024-09-23. Review status: criteria provided, single submitter. Criteria: ACMG Guidelines, 2015. Collection method: clinical testing. Allele origin: germline.

Ambry Genetics
Classification: Likely benign for Inborn genetic diseases. Last evaluated: 2022-04-08. Review status: criteria provided, single submitter. Criteria: Ambry Variant Classification Scheme 2023. Collection method: clinical testing. Allele origin: germline.

Illumina Laboratory Services, Illumina
Classification: Likely benign for Focal segmental glomerulosclerosis 5. Last evaluated: 2018-01-13. Review status: criteria provided, single submitter. Criteria: ICSL Variant Classification Criteria 13 December 2019. Collection method: clinical testing. Allele origin: germline.
Comment: This variant was observed in the ICSL laboratory as part of a predisposition screen in an ostensibly healthy population. It had not been previously curated by ICSL or reported in the Human Gene Mutation Database (HGMD: prior to June 1st, 2018), and was therefore a candidate for classification through an automated scoring system. Utilizing variant allele frequency, disease prevalence and penetrance estimates, and inheritance mode, an automated score was calculated to assess if this variant is too frequent to cause the disease. Based on the score and internal cut-off values, a variant classified as likely benign is not then subjected to further curation. The score for this variant resulted in a classification of likely benign for this disease.